The following is an entry in ClinVar:

ClinVar aggregate classification (germline): Likely benign (0 of 4 stars; one submission).

Conditions:
OSMR-related disorder. Also called: OSMR-related condition.

Allele frequency attached by ClinVar (database versions not stated): ExAC 0.00002; gnomAD 0.00003; gnomAD exomes 0.00005; TOPMed 0.00005; ESP Exome Variant Server 0.00008.
gnomAD v4.1: 86 of 1,613,996 alleles (0.0053%); highest among the groups gnomAD compares: Non-Finnish European, 0.0064%; no homozygotes.

Submission:

PreventionGenetics, part of Exact Sciences
Classification: Likely benign for OSMR-related condition. Last evaluated: 2019-06-25. Review status: no assertion criteria provided. Collection method: clinical testing. Allele origin: germline.
Comment: This variant is classified as likely benign based on ACMG/AMP sequence variant interpretation guidelines (Richards et al. 2015 PMID: 25741868, with internal and published modifications).

NM_003999.3(OSMR):c.1515C>T (p.Cys505=)

Gene: OSMR (oncostatin M receptor; plus strand). Cytogenetic location: 5p13.1.
Variant type: single nucleotide variant.
Coding change: c.1515C>T on transcript NM_003999.3 (MANE Select); coding-DNA position 1515, C replaced by T.
Protein change: p.Cys505=; no amino-acid change (cysteine 505 retained).
Molecular consequence: synonymous variant.
Genome position (GRCh38, 1-based): chr5:38,918,992, C>T. VCF-style: chr5-38918992-C-T. GRCh37 (hg19) VCF-style: chr5-38919094-C-T.
Other names: c.1515C>T, p.Cys505= (NM_001323505.2, NM_001323507.2); c.1518C>T, p.Cys506= (NM_001323506.2).
Identifiers: ClinVar variation 3042906 (VCV003042906.2), dbSNP rs367714483, ClinGen allele CA3244063.
Genomic context (GRCh38, chr5:38,918,992, plus strand): 5'-CATTCCAGCACCAGCCAACAGCACAAAACTAATCCTTGACAGGTGTTCCTACCAAATCTG[C>T]GTCATAGCCAACAACAGTGTGGGTGCTTCTCCTGCTTCTGTAATAGTCATCTCTGCAGAC-3'
Protein context (NP_003990.1, residues 495-515): LILDRCSYQI[Cys505=]VIANNSVGAS